The following is an entry in ClinVar:

ClinVar aggregate classification (germline): Uncertain significance (1 of 4 stars; one submission).

Submission:

GeneDx
Classification: Uncertain significance. Last evaluated: 2023-01-18. Review status: criteria provided, single submitter. Criteria: GeneDx Variant Classification Process June 2021. Collection method: clinical testing. Allele origin: germline. Affected: yes.
Comment: Not observed at significant frequency in large population cohorts (gnomAD); In silico analysis supports that this missense variant does not alter protein structure/function; Has not been previously published as pathogenic or benign to our knowledge

NM_005120.3(MED12):c.1993T>C (p.Ser665Pro)

Gene: MED12 (mediator complex subunit 12; plus strand). Cytogenetic location: Xq13.1.
Variant type: single nucleotide variant.
Coding change: c.1993T>C on transcript NM_005120.3 (MANE Select); coding-DNA position 1993, T replaced by C.
Protein change: p.Ser665Pro; replaces serine 665 with proline.
Molecular consequence: missense variant.
Genome position (GRCh38, 1-based): chrX:71,124,782, T>C. VCF-style: chrX-71124782-T-C. GRCh37 (hg19) VCF-style: chrX-70344632-T-C.
Other names: short protein forms S665P.
Identifiers: ClinVar variation 2573845 (VCV002573845.1), dbSNP rs2519676961, ClinGen allele CA413510477.
Genomic context (GRCh38, chrX:71,124,782, plus strand): 5'-CCCTAGGGCTAAAGCAACTTCGCTTATGTTCTATGCCCTCAGGATCCAGGGCTCTCAGAA[T>C]CTATGGACATTGACCCTAGTTCCAGTGTTCTCTTTGAGGACATGGAGAAGCCTGATTTCT-3'
Protein context (NP_005111.2, residues 655-675): SKLEDPGLSE[Ser665Pro]MDIDPSSSVL